The following is an entry in ClinVar:

NM_001256545.2(MEGF10):c.2410T>A (p.Cys804Ser)

Gene: MEGF10 (multiple EGF like domains 10; plus strand). Cytogenetic location: 5q23.2.
Variant type: single nucleotide variant.
Coding change: c.2410T>A on transcript NM_001256545.2 (MANE Select); coding-DNA position 2410, T replaced by A.
Protein change: p.Cys804Ser; replaces cysteine 804 with serine.
Molecular consequence: missense variant.
Genome position (GRCh38, 1-based): chr5:127,443,045, T>A. VCF-style: chr5-127443045-T-A. GRCh37 (hg19) VCF-style: chr5-126778737-T-A.
Other names: c.2410T>A, p.Cys804Ser (NM_032446.3); short protein forms C804S.
Identifiers: ClinVar variation 1489358 (VCV001489358.6), dbSNP rs2127019985, ClinGen allele CA360734319.

ClinVar aggregate classification (germline): Uncertain significance (1 of 4 stars; one submission).

Conditions:
MEGF10-related myopathy (CMYO10A). Also called: Congenital myopathy 10A, severe variant. Identifiers: Orphanet 439212, MedGen C3280679, MONDO:0013731, OMIM 614399.

Submission:

Labcorp Genetics (formerly Invitae), Labcorp
Classification: Uncertain significance for MEGF10-related myopathy. Last evaluated: 2021-09-09. Review status: criteria provided, single submitter. Criteria: Invitae Variant Classification Sherloc (09022015). Collection method: clinical testing. Allele origin: germline.
Comment: This sequence change replaces cysteine with serine at codon 804 of the MEGF10 protein (p.Cys804Ser). The cysteine residue is highly conserved and there is a moderate physicochemical difference between cysteine and serine. This variant is not present in population databases (ExAC no frequency). This variant has not been reported in the literature in individuals affected with MEGF10-related conditions. Algorithms developed to predict the effect of missense changes on protein structure and function (SIFT, PolyPhen-2, Align-GVGD) all suggest that this variant is likely to be disruptive. In summary, the available evidence is currently insufficient to determine the role of this variant in disease. Therefore, it has been classified as a Variant of Uncertain Significance.